The following is an entry in ClinVar:

NM_001165963.4(SCN1A):c.5499_5501del (p.Ala1834del)

Genes: SCN1A (sodium voltage-gated channel alpha subunit 1; minus strand), LOC102724058 (uncharacterized LOC102724058; plus strand). Cytogenetic location: 2q24.3.
Variant type: Deletion.
Coding change: c.5499_5501del on transcript NM_001165963.4 (MANE Select); coding-DNA positions 5499 to 5501, 3 bases deleted (TGC; older notation c.5499_5501delTGC).
Protein change: p.Ala1834del; deletes alanine 1834.
Molecular consequence: non-coding transcript variant (on NR_148667.2).
Genome position (GRCh38, 1-based): chr2:165,991,774-165,991,776, GCA deleted on the plus strand (TGC on the coding strand, the reverse complement: SCN1A is on the minus strand); deleting any 3 consecutive bases within chr2:165,991,774-165,991,778 gives the same sequence; the c. name uses the placement nearest the transcript's 3' end. VCF-style (leftmost placement, unchanged base first): chr2-165991773-CGCA-C. GRCh37 (hg19) VCF-style: chr2-166848283-CGCA-C.
Other names: c.5415_5417del, p.Ala1806del (NM_001165964.3, NM_001353957.2, NM_001353958.2); c.5499_5501del, p.Ala1834del (NM_001202435.3, NM_001353948.2); c.5466_5468del, p.Ala1823del (NM_001353949.2, NM_001353950.2, NM_001353951.2 and 2 more transcripts); c.5463_5465del, p.Ala1822del (NM_001353954.2, NM_001353955.2); c.5412_5414del, p.Ala1805del (NM_001353960.2); c.3057_3059del, p.Ala1020del (NM_001353961.2); short protein forms A1805del, A1834del, A1020del, A1822del, A1823del, A1806del.
Identifiers: ClinVar variation 3643055 (VCV003643055.2).

ClinVar aggregate classification (germline): Uncertain significance (1 of 4 stars; one submission).

Conditions:
Early-infantile DEE. Also called: Early infantile epileptic encephalopathy; Ohtahara syndrome; Early infantile epileptic encephalopathy with suppression bursts. Identifiers: Orphanet 1934, MedGen C0393706, MONDO:0800491.

Submission:

Labcorp Genetics (formerly Invitae), Labcorp
Classification: Uncertain significance for Early-infantile DEE. Last evaluated: 2024-02-24. Review status: criteria provided, single submitter. Criteria: Invitae Variant Classification Sherloc (09022015). Collection method: clinical testing. Allele origin: germline.
Comment: This variant, c.5499_5501del, results in the deletion of 1 amino acid(s) of the SCN1A protein (p.Ala1834del), but otherwise preserves the integrity of the reading frame. This variant is not present in population databases (gnomAD no frequency). This variant has not been reported in the literature in individuals affected with SCN1A-related conditions. This variant disrupts a region of the SCN1A protein in which other variant(s) (p.Ala1834Val) have been observed in individuals with SCN1A-related conditions (Invitae). This suggests that this is a clinically significant region of the protein, and that variants that disrupt it are likely to be disease-causing. In summary, the available evidence is currently insufficient to determine the role of this variant in disease. Therefore, it has been classified as a Variant of Uncertain Significance.